The following is an entry in ClinVar:

NM_001374385.1(ATP8B1):c.2038T>C (p.Ser680Pro)

Gene: ATP8B1 (ATPase phospholipid transporting 8B1; minus strand). Cytogenetic location: 18q21.31.
Variant type: single nucleotide variant.
Coding change: c.2038T>C on transcript NM_001374385.1 (MANE Select); coding-DNA position 2038, T replaced by C.
Protein change: p.Ser680Pro; replaces serine 680 with proline.
Molecular consequence: missense variant.
Genome position (GRCh38, 1-based): chr18:57,669,377, A>G on the plus strand (T>C on the coding strand, the complement: ATP8B1 is on the minus strand). VCF-style: chr18-57669377-A-G. GRCh37 (hg19) VCF-style: chr18-55336609-A-G.
Other names: c.1888T>C, p.Ser630Pro (NM_001374386.1); c.2038T>C, p.Ser680Pro (NM_005603.6); short protein forms S680P, S630P.
Identifiers: ClinVar variation 4995261 (VCV004995261.1).

ClinVar aggregate classification (germline): Uncertain significance (1 of 4 stars; one submission).

Conditions:
ATP8B1-related disorder. Also called: ATP8B1-related condition; ATP8B1-related disorders.

Submission:

PreventionGenetics, part of Exact Sciences
Classification: Uncertain significance for ATP8B1-related condition. Last evaluated: 2026-08-12. Review status: criteria provided, single submitter. Criteria: ACMG Guidelines, 2015. Collection method: clinical testing. Allele origin: germline.
Comment: The ATP8B1 c.2038T>C variant is predicted to result in the amino acid substitution p.Ser680Pro. To our knowledge, this variant has not been reported in the literature or in a large population database (gnomAD), indicating this variant is rare. At this time, the clinical significance of this variant is uncertain due to the absence of conclusive functional and genetic evidence.